The following is an entry in ClinVar:

NM_005477.3(HCN4):c.3202C>A (p.Arg1068Ser)

Gene: HCN4 (hyperpolarization activated cyclic nucleotide gated potassium channel 4; minus strand). Cytogenetic location: 15q24.1.
Variant type: single nucleotide variant.
Coding change: c.3202C>A on transcript NM_005477.3 (MANE Select); coding-DNA position 3202, C replaced by A.
Protein change: p.Arg1068Ser; replaces arginine 1068 with serine.
Molecular consequence: missense variant.
Genome position (GRCh38, 1-based): chr15:73,322,891, G>T on the plus strand (C>A on the coding strand, the complement: HCN4 is on the minus strand). VCF-style: chr15-73322891-G-T. GRCh37 (hg19) VCF-style: chr15-73615232-G-T.
Other names: short protein forms R1068S.
Identifiers: ClinVar variation 1728836 (VCV001728836.7), dbSNP rs759356193, ClinGen allele CA393086017.

ClinVar aggregate classification (germline): Uncertain significance. Review status: criteria provided, multiple submitters, no conflicts (2 of 4 stars). 2 submissions from 2 submitters: Uncertain significance (2). Last evaluated 2023-04-07.

Conditions:
Brugada syndrome 8 (BRGDA8). Identifiers: Orphanet 130, MedGen C2751083, MONDO:0013148, OMIM 613123.
Cardiovascular phenotype. Identifiers: MedGen CN230736.

gnomAD v4.1: 3 of 1,446,498 alleles (0.00021%); highest among the groups gnomAD compares: Non-Finnish European, 0.00018%; no homozygotes.

Submissions (2):

Labcorp Genetics (formerly Invitae), Labcorp
Classification: Uncertain significance for Brugada syndrome 8. Last evaluated: 2023-04-07. Review status: criteria provided, single submitter. Criteria: Invitae Variant Classification Sherloc (09022015). Collection method: clinical testing. Allele origin: germline.
Comment: This variant is not present in population databases (gnomAD no frequency). In summary, the available evidence is currently insufficient to determine the role of this variant in disease. Therefore, it has been classified as a Variant of Uncertain Significance. Advanced modeling of protein sequence and biophysical properties (such as structural, functional, and spatial information, amino acid conservation, physicochemical variation, residue mobility, and thermodynamic stability) performed at Invitae indicates that this missense variant is not expected to disrupt HCN4 protein function. ClinVar contains an entry for this variant (Variation ID: 1728836). This variant has not been reported in the literature in individuals affected with HCN4-related conditions. This sequence change replaces arginine, which is basic and polar, with serine, which is neutral and polar, at codon 1068 of the HCN4 protein (p.Arg1068Ser).

Ambry Genetics
Classification: Uncertain significance for Cardiovascular phenotype. Last evaluated: 2022-05-02. Review status: criteria provided, single submitter. Criteria: Ambry Variant Classification Scheme 2023. Collection method: clinical testing. Allele origin: germline.
Comment: The p.R1068S variant (also known as c.3202C>A), located in coding exon 8 of the HCN4 gene, results from a C to A substitution at nucleotide position 3202. The arginine at codon 1068 is replaced by serine, an amino acid with dissimilar properties. This amino acid position is conserved. In addition, the in silico prediction for this alteration is inconclusive. Since supporting evidence is limited at this time, the clinical significance of this alteration remains unclear.